The following is an entry in ClinVar:

NM_014804.3(KIAA0753):c.745G>A (p.Asp249Asn)

Gene: KIAA0753 (KIAA0753; minus strand). Cytogenetic location: 17p13.1.
Variant type: single nucleotide variant.
Coding change: c.745G>A on transcript NM_014804.3 (MANE Select); coding-DNA position 745, G replaced by A.
Protein change: p.Asp249Asn; replaces aspartic acid 249 with asparagine.
Molecular consequence: missense variant. On other transcripts: 5 prime UTR variant (1), non-coding transcript variant (1).
Genome position (GRCh38, 1-based): chr17:6,624,835, C>T on the plus strand (G>A on the coding strand, the complement: KIAA0753 is on the minus strand). VCF-style: chr17-6624835-C-T. GRCh37 (hg19) VCF-style: chr17-6528155-C-T.
Other names: c.-490G>A (NM_001351225.2); c.745G>A (NM_014804.2); short protein forms D249N.
Identifiers: ClinVar variation 1520720 (VCV001520720.7), dbSNP rs982839333, ClinGen allele CA287367894.

ClinVar aggregate classification (germline): Uncertain significance. Review status: criteria provided, multiple submitters, no conflicts (2 of 4 stars). 2 submissions from 2 submitters: Uncertain significance (2). Last evaluated 2024-05-07.

Conditions:
Inborn genetic diseases. Identifiers: MedGen C0950123, MeSH D030342.

Allele frequency attached by ClinVar (database versions not stated): gnomAD 0.00001; gnomAD exomes 0.00001 and 0.00002; TOPMed 0.00002.
gnomAD v4.1: 19 of 1,560,226 alleles (0.0012%); highest among the groups gnomAD compares: Non-Finnish European, 0.00035%; no homozygotes.

Submissions (2):

Ambry Genetics
Classification: Uncertain significance for Inborn genetic diseases. Last evaluated: 2024-05-07. Review status: criteria provided, single submitter. Criteria: Ambry Variant Classification Scheme 2023. Collection method: clinical testing. Allele origin: germline.

Labcorp Genetics (formerly Invitae), Labcorp
Classification: Uncertain significance. Last evaluated: 2022-02-06. Review status: criteria provided, single submitter. Criteria: Invitae Variant Classification Sherloc (09022015). Collection method: clinical testing. Allele origin: germline.
Comment: In summary, the available evidence is currently insufficient to determine the role of this variant in disease. Therefore, it has been classified as a Variant of Uncertain Significance. Algorithms developed to predict the effect of missense changes on protein structure and function are either unavailable or do not agree on the potential impact of this missense change (SIFT: "Deleterious"; PolyPhen-2: "Possibly Damaging"; Align-GVGD: "Class C0"). This variant has not been reported in the literature in individuals affected with KIAA0753-related conditions. This variant is present in population databases (no rsID available, gnomAD 0.03%). This sequence change replaces aspartic acid, which is acidic and polar, with asparagine, which is neutral and polar, at codon 249 of the KIAA0753 protein (p.Asp249Asn).